The following is an entry in ClinVar:

NM_001009999.3(KDM1A):c.2045A>G (p.Asn682Ser)

Gene: KDM1A (lysine demethylase 1A; plus strand). Cytogenetic location: 1p36.12.
Variant type: single nucleotide variant.
Coding change: c.2045A>G on transcript NM_001009999.3 (MANE Select); coding-DNA position 2045, A replaced by G.
Protein change: p.Asn682Ser; replaces asparagine 682 with serine.
Molecular consequence: missense variant.
Genome position (GRCh38, 1-based): chr1:23,079,167, A>G. VCF-style: chr1-23079167-A-G. GRCh37 (hg19) VCF-style: chr1-23405660-A-G.
Other names: c.1991A>G, p.Asn664Ser (NM_001363654.2); c.1973A>G, p.Asn658Ser (NM_015013.4); short protein forms N658S, N664S, N682S.
Identifiers: ClinVar variation 1337879 (VCV001337879.5), dbSNP rs1160453011, ClinGen allele CA338971215.

ClinVar aggregate classification (germline): Uncertain significance. Review status: criteria provided, multiple submitters, no conflicts (2 of 4 stars). 2 submissions from 2 submitters: Uncertain significance (2). Last evaluated 2025-05-28.

Conditions:
Inborn genetic diseases. Identifiers: MedGen C0950123, MeSH D030342.

Allele frequency attached by ClinVar (database versions not stated): gnomAD 0.00001; TOPMed 0.00001.
gnomAD v4.1: 1 of 1,613,972 alleles (0.000062%); highest among the groups gnomAD compares: Non-Finnish European, 0.000085%; no homozygotes.

Submissions (2):

Ambry Genetics
Classification: Uncertain significance for Inborn genetic diseases. Last evaluated: 2025-05-28. Review status: criteria provided, single submitter. Criteria: Ambry Variant Classification Scheme 2023. Collection method: clinical testing. Allele origin: germline.
Comment: The p.N682S variant (also known as c.2045A>G), located in coding exon 17 of the KDM1A gene, results from an A to G substitution at nucleotide position 2045. The asparagine at codon 682 is replaced by serine, an amino acid with highly similar properties. This amino acid position is conserved. In addition, the in silico prediction for this alteration is inconclusive. Based on the available evidence, the clinical significance of this variant remains unclear.

Genetic Services Laboratory, University of Chicago
Classification: Uncertain significance. Last evaluated: 2021-04-02. Review status: criteria provided, single submitter. Criteria: ACMG Guidelines, 2015. Collection method: clinical testing. Allele origin: germline. Affected: no.
Comment: DNA sequence analysis of the KDM1A gene demonstrated a sequence change, c.2045A>G, in exon 17 that results in an amino acid change, p.Asn682Ser. This sequence change is absent from known population databases (gnomAD). The p.Asn682Ser change affects a highly conserved amino acid residue located in a domain of the KDM1A protein that is known to be functional. In-silico pathogenicity prediction tools (SIFT, PolyPhen2, Align GVGD, REVEL) provide contradictory results for the p.Asn682Ser substitution. This sequence change does not appear to have been previously described in patients with KDM1A-related disorders. Due to the lack of sufficient evidences, the clinical significance of the p.Asn682Ser change remains unknown at this time.